The following is an entry in ClinVar:

NM_000143.4(FH):c.37_38delinsGT (p.Pro13Val)

Gene: FH (fumarate hydratase; minus strand). Cytogenetic location: 1q43.
Variant type: Indel.
Coding change: c.37_38delinsGT on transcript NM_000143.4 (MANE Select); coding-DNA positions 37 to 38, CC replaced by GT.
Protein change: p.Pro13Val; replaces proline 13 with valine.
Molecular consequence: missense variant.
Genome position (GRCh38, 1-based): chr1:241,519,685-241,519,686, GG replaced by AC on the plus strand (CC replaced by GT on the coding strand, the reverse complement: FH is on the minus strand). VCF-style: chr1-241519685-GG-AC. GRCh37 (hg19) VCF-style: chr1-241682985-GG-AC.
Other names: short protein forms P13V.
Identifiers: ClinVar variation 4827306 (VCV004827306.1).

ClinVar aggregate classification (germline): Uncertain significance (1 of 4 stars; one submission).

Conditions:
Hereditary cancer-predisposing syndrome. Also called: Neoplastic Syndromes, Hereditary; Tumor predisposition; Hereditary Cancer Syndrome; Hereditary neoplastic syndrome. Identifiers: Orphanet 140162, MedGen C0027672, MeSH D009386, MONDO:0015356.

Submission:

Ambry Genetics
Classification: Uncertain significance for Hereditary cancer-predisposing syndrome. Last evaluated: 2026-02-23. Review status: criteria provided, single submitter. Criteria: Ambry Variant Classification Scheme 2023. Collection method: clinical testing. Allele origin: germline.
Comment: The c.37_38delCCinsGT variant (also known as p.P13V), located in coding exon 1 of the FH gene, results from an in-frame deletion of CC and insertion of GT at nucleotide positions 37 to 38. This results in the substitution of the proline residue for a valine residue at codon 13, an amino acid with similar properties. This amino acid position is poorly conserved in available vertebrate species. In addition, this variant is predicted to be neutral by in silico analysis (Choi Y et al. PLoS ONE. 2012; 7(10):e46688). Based on the available evidence, the clinical significance of this variant remains unclear.